The following is an entry in ClinVar:

ClinVar aggregate classification (germline): Uncertain significance (1 of 4 stars; one submission).

Submission:

Ambry Genetics
Classification: Uncertain significance. Last evaluated: 2025-12-07. Review status: criteria provided, single submitter. Criteria: Ambry Variant Classification Scheme 2023. Collection method: clinical testing. Allele origin: germline.
Comment: The p.P566T variant (also known as c.1696C>A), located in coding exon 1 of the MLH3 gene, results from a C to A substitution at nucleotide position 1696. The proline at codon 566 is replaced by threonine, an amino acid with highly similar properties. This amino acid position is conserved. In addition, this alteration is predicted to be tolerated by in silico analysis. Based on the available evidence, the clinical significance of this variant remains unclear.

NM_001040108.2(MLH3):c.1696C>A (p.Pro566Thr)

Gene: MLH3 (mutL homolog 3; minus strand). Cytogenetic location: 14q24.3.
Variant type: single nucleotide variant.
Coding change: c.1696C>A on transcript NM_001040108.2 (MANE Select); coding-DNA position 1696, C replaced by A.
Protein change: p.Pro566Thr; replaces proline 566 with threonine.
Molecular consequence: missense variant.
Genome position (GRCh38, 1-based): chr14:75,047,960, G>T on the plus strand (C>A on the coding strand, the complement: MLH3 is on the minus strand). VCF-style: chr14-75047960-G-T. GRCh37 (hg19) VCF-style: chr14-75514663-G-T.
Other names: c.1696C>A, p.Pro566Thr (NM_014381.3); short protein forms P566T.
Identifiers: ClinVar variation 4552131 (VCV004552131.1).